The following is an entry in ClinVar:

NM_015443.4(KANSL1):c.898A>G (p.Arg300Gly)

Gene: KANSL1 (KAT8 regulatory NSL complex subunit 1). Cytogenetic location: 17q21.31.
Variant type: single nucleotide variant.
Coding change: c.898A>G on transcript NM_015443.4 (MANE Select); coding-DNA position 898, A replaced by G.
Protein change: p.Arg300Gly; replaces arginine 300 with glycine.
Molecular consequence: missense variant.
Genome position (GRCh38, 1-based): chr17:46,171,246, T>C on the plus strand (A>G on the coding strand, the complement: KANSL1 is on the minus strand). VCF-style: chr17-46171246-T-C. GRCh37 (hg19) VCF-style: chr17-44248612-T-C.
Other names: c.898A>G, p.Arg300Gly (NM_001193465.2, NM_001193466.2, NM_001379198.1); short protein forms R300G.
Identifiers: ClinVar variation 955040 (VCV000955040.2), dbSNP rs780539765, ClinGen allele CA8618926.

ClinVar aggregate classification (germline): Conflicting classifications of pathogenicity. Review status: criteria provided, conflicting classifications (1 of 4 stars). 2 submissions from 2 submitters: Uncertain significance (1); Likely benign (1). Last evaluated 2024-04-29.

Conditions:
Koolen-de Vries syndrome (KDVS). Identifiers: Orphanet 96169, MedGen C1864871, MONDO:0012496, OMIM 610443.
Inborn genetic diseases. Identifiers: MedGen C0950123, MeSH D030342.

Allele frequency attached by ClinVar (database versions not stated): gnomAD exomes 0.00004; ExAC 0.00006.
gnomAD v4.1: 19 of 1,614,138 alleles (0.0012%); highest among the groups gnomAD compares: East Asian, 0.0089%; no homozygotes.

Submissions (2):

Ambry Genetics
Classification: Likely benign for Inborn genetic diseases. Last evaluated: 2024-04-29. Review status: criteria provided, single submitter. Criteria: Ambry Variant Classification Scheme 2023. Collection method: clinical testing. Allele origin: germline.

Labcorp Genetics (formerly Invitae), Labcorp
Classification: Uncertain significance for Koolen-de Vries syndrome. Last evaluated: 2019-09-20. Review status: criteria provided, single submitter. Criteria: Invitae Variant Classification Sherloc (09022015). Collection method: clinical testing. Allele origin: germline.
Comment: This sequence change replaces arginine with glycine at codon 300 of the KANSL1 protein (p.Arg300Gly). The arginine residue is highly conserved and there is a moderate physicochemical difference between arginine and glycine. This variant is present in population databases (rs780539765, ExAC 0.08%). This variant has not been reported in the literature in individuals with KANSL1-related conditions. Algorithms developed to predict the effect of missense changes on protein structure and function are either unavailable or do not agree on the potential impact of this missense change (SIFT: "Tolerated"; PolyPhen-2: "Probably Damaging"; Align-GVGD: "Class C15"). In summary, the available evidence is currently insufficient to determine the role of this variant in disease. Therefore, it has been classified as a Variant of Uncertain Significance.